The following is an entry in ClinVar:

ClinVar aggregate classification (germline): Uncertain significance. Review status: criteria provided, multiple submitters, no conflicts (2 of 4 stars). 6 submissions from 6 submitters: Uncertain significance (6). Last evaluated 2025-11-13.

Conditions:
Hypertrophic cardiomyopathy 9. Also called: Familial hypertrophic cardiomyopathy 9. Identifiers: MedGen C1861065, MONDO:0013412, OMIM 613765.
Dilated cardiomyopathy 1G (CMD1G). Identifiers: Orphanet 154, MedGen C1858763, MONDO:0011400, OMIM 604145.
Tibial muscular dystrophy (TMD). Also called: UDD MYOPATHY; Tibial muscular dystrophy, tardive; Udd Distal Myopathy – Tibial Muscular Dystrophy. Identifiers: Orphanet 609, MedGen C1838244, MONDO:0010870, OMIM 600334.
Autosomal recessive limb-girdle muscular dystrophy type 2J (LGMDR10). Also called: Limb-girdle muscular dystrophy, type 2J; MUSCULAR DYSTROPHY, LIMB-GIRDLE, AUTOSOMAL RECESSIVE 10. Identifiers: Orphanet 140922, MedGen C1837342, MONDO:0012127, OMIM 608807.
Early-onset myopathy with fatal cardiomyopathy (CMYO5). Also called: Salih Myopathy; CONGENITAL MYOPATHY 5 WITH CARDIOMYOPATHY. Identifiers: Orphanet 289377, MedGen C2673677, MONDO:0012714, OMIM 611705. Disease mechanism: loss of function.
Myopathy, myofibrillar, 9, with early respiratory failure (MFM9). Also called: MYOPATHY, PROXIMAL, WITH EARLY RESPIRATORY MUSCLE INVOLVEMENT; Hereditary myopathy with early respiratory failure; Myopathy, distal, with early respiratory failure, autosomal dominant; EDSTROM MYOPATHY. Identifiers: Orphanet 178464, Orphanet 34521, MedGen C1863599, MONDO:0011362, OMIM 603689.
Cardiomyopathy (CMYO). Also called: Cardiomyopathies. Identifiers: Orphanet 167848, MedGen C0878544, MONDO:0004994, HP:0001638. Inheritance: Various modes of inheritance.

Allele frequency attached by ClinVar (database versions not stated): gnomAD 0.00001; TOPMed 0.00001.
gnomAD v4.1: 12 of 1,607,982 alleles (0.00075%); highest among the groups gnomAD compares: Admixed American, 0.0084%; no homozygotes.

Submissions (6):

Women's Health and Genetics/Laboratory Corporation of America, LabCorp
Classification: Uncertain significance. Last evaluated: 2025-11-13. Review status: criteria provided, single submitter. Criteria: LabCorp Variant Classification Summary - May 2015. Collection method: clinical testing. Allele origin: germline.
Comment: Variant summary: TTN c.30616G>C (p.Glu10206Gln) results in a conservative amino acid change located in the I-band region of the encoded protein sequence. Algorithms developed to predict the effect of missense changes on protein structure and function are either unavailable or do not agree on the potential impact of this missense change. The variant allele was found at a frequency of 2.1e-05 in 241942 control chromosomes. The available data on variant occurrences in the general population are insufficient to allow any conclusion about variant significance. To our knowledge, no occurrence of c.30616G>C in individuals affected with TTN-related conditions and no experimental evidence demonstrating its impact on protein function have been reported. ClinVar contains an entry for this variant (Variation ID: 1329142). Based on the evidence outlined above, the variant was classified as uncertain significance.

GeneDx
Classification: Uncertain significance. Last evaluated: 2024-07-03. Review status: criteria provided, single submitter. Criteria: GeneDx Variant Classification Process June 2021. Collection method: clinical testing. Allele origin: germline. Affected: yes.
Comment: Not observed at significant frequency in large population cohorts (gnomAD); Missense variant in a gene in which most reported pathogenic variants are truncating/loss-of-function; Has not been previously published as pathogenic or benign to our knowledge

Athena Diagnostics
Classification: Uncertain significance. Last evaluated: 2022-05-20. Review status: criteria provided, single submitter. Criteria: Athena Diagnostics Criteria. Collection method: clinical testing. Allele origin: unknown.

Fulgent Genetics
Classification: Uncertain significance for Tibial muscular dystrophy; Myopathy, myofibrillar, 9, with early respiratory failure; Dilated cardiomyopathy 1G; Autosomal recessive limb-girdle muscular dystrophy type 2J; Early-onset myopathy with fatal cardiomyopathy; Hypertrophic cardiomyopathy 9. Last evaluated: 2021-10-05. Review status: criteria provided, single submitter. Criteria: ACMG Guidelines, 2015. Collection method: clinical testing. Allele origin: unknown.

CHEO Genetics Diagnostic Laboratory, Children's Hospital of Eastern Ontario
Classification: Uncertain significance for Cardiomyopathy. Last evaluated: 2021-03-17. Review status: criteria provided, single submitter. Criteria: ACMG Guidelines, 2015. Collection method: clinical testing. Allele origin: germline.

CENTOGENE GmbH and LLC - Guiding Precision Medicine
Classification: Uncertain significance for Early-onset myopathy with fatal cardiomyopathy. Last evaluated: 2019-02-07. Review status: criteria provided, single submitter. Criteria: ACMG Guidelines, 2015. Collection method: clinical testing. Allele origin: paternal. Affected: yes.

NM_001267550.2(TTN):c.34435G>C (p.Glu11479Gln)

Gene: TTN (titin; minus strand). Cytogenetic location: 2q31.2.
Variant type: single nucleotide variant.
Coding change: c.34435G>C on transcript NM_001267550.2 (MANE Select); coding-DNA position 34435, G replaced by C.
Protein change: p.Glu11479Gln; replaces glutamic acid 11479 with glutamine.
Molecular consequence: missense variant. On other transcripts: intron variant (3).
Genome position (GRCh38, 1-based): chr2:178,675,939, C>G on the plus strand (G>C on the coding strand, the complement: TTN is on the minus strand). VCF-style: chr2-178675939-C-G. GRCh37 (hg19) VCF-style: chr2-179540666-C-G.
Other names: c.33397G>C, p.Glu11133Gln (NM_001256850.1); c.30616G>C, p.Glu10206Gln (NM_133378.4); c.13283-33622G>C (NM_003319.4); c.13859-33622G>C (NM_133437.4); c.13658-33622G>C (NM_133432.3); c.34435G>C (NM_001267550.1); short protein forms E10206Q, E11133Q, E11479Q.
Identifiers: ClinVar variation 1329142 (VCV001329142.6), dbSNP rs1298237270, ClinGen allele CA349526121.